The following is an entry in ClinVar:

NM_000492.4(CFTR):c.3276C>G (p.Tyr1092Ter)

Genes: CFTR (CF transmembrane conductance regulator; plus strand), CFTR-AS2 (CFTR antisense RNA 2; minus strand), LOC111674472 (DNase I hypersensitive sites in introns 16 and 17a of CFTR; plus strand). Cytogenetic location: 7q31.2.
Variant type: single nucleotide variant.
Coding change: c.3276C>G on transcript NM_000492.4 (MANE Select); coding-DNA position 3276, C replaced by G.
Protein change: p.Tyr1092Ter; replaces tyrosine 1092 with a stop codon.
Molecular consequence: nonsense.
Genome position (GRCh38, 1-based): chr7:117,611,717, C>G. VCF-style: chr7-117611717-C-G. GRCh37 (hg19) VCF-style: chr7-117251771-C-G.
Other names: Y1092X (C->G); short protein forms Y1092*.
Identifiers: ClinVar variation 7211 (VCV000007211.12), dbSNP rs121908761, ClinGen allele CA269811.

ClinVar aggregate classification (germline): Pathogenic. Review status: reviewed by expert panel (3 of 4 stars). 6 submissions from 6 submitters: Pathogenic (1). 5 of the submissions do not count toward it. Last evaluated 2017-03-17.

Conditions:
Cystic fibrosis (CF). Also called: MUCOVISCIDOSIS. Identifiers: Orphanet 586, MedGen C0010674, MONDO:0009061, OMIM 219700. Disease mechanism: loss of function.
CFTR-related disorder (CFTR-RD). Also called: CFTR-related condition; CFTR-related disorders. Identifiers: MedGen C5924204, MONDO:7770004.

gnomAD v4.1: 1 of 1,613,508 alleles (0.000062%); no homozygotes.

Submissions (6):

CFTR2
Classification: Pathogenic for Cystic fibrosis. Last evaluated: 2017-03-17. Review status: reviewed by expert panel. Criteria: Sosnay PR et al. (Nat Genet 2013). Collection method: research. Allele origin: germline. Affected: yes. Study: CFTR2.

Labcorp Genetics (formerly Invitae), Labcorp
Classification: Pathogenic for Cystic fibrosis. Last evaluated: 2023-04-27. Review status: criteria provided, single submitter. Criteria: Invitae Variant Classification Sherloc (09022015). Collection method: clinical testing. Allele origin: germline. Not counted in ClinVar's aggregate classification.
Comment: ClinVar contains an entry for this variant (Variation ID: 7211). For these reasons, this variant has been classified as Pathogenic. This premature translational stop signal has been observed in individual(s) with clinical features of CFTR-related conditions (PMID: 23974870, 28546993). This variant is not present in population databases (gnomAD no frequency). This sequence change creates a premature translational stop signal (p.Tyr1092*) in the CFTR gene. It is expected to result in an absent or disrupted protein product. Loss-of-function variants in CFTR are known to be pathogenic (PMID: 1695717, 7691345, 9725922).

Myriad Genetics, Inc.
Classification: Pathogenic for Cystic fibrosis. Last evaluated: 2019-12-09. Review status: criteria provided, single submitter. Criteria: Myriad Women's Health Autosomal Recessive and X-Linked Classification Criteria (2019). Collection method: clinical testing. Allele origin: unknown. Not counted in ClinVar's aggregate classification.
Comment: NM_000492.3(CFTR):c.3276C>G(Y1092*) is classified as pathogenic in the context of cystic fibrosis and is associated with classic disease. Sources cited for classification include the following: PMID 16049310 and 23974870. Classification of NM_000492.3(CFTR):c.3276C>G(Y1092*) is based on the following criteria: The variant causes a premature termination codon that is expected to be targeted by nonsense-mediated mRNA decay and is reported in individuals with the relevant phenotype. Please note: this variant was assessed in the context of healthy population screening.

Women's Health and Genetics/Laboratory Corporation of America, LabCorp
Classification: Pathogenic. Last evaluated: 2018-09-07. Review status: criteria provided, single submitter. Criteria: LabCorp Variant Classification Summary - May 2015. Collection method: clinical testing. Allele origin: germline. Not counted in ClinVar's aggregate classification.
Comment: Variant summary: CFTR c.3276C>G (p.Tyr1092X) results in a premature termination codon, predicted to cause a truncation of the encoded protein or absence of the protein due to nonsense mediated decay, which are commonly known mechanisms for disease. Truncations downstream of this position have been classified as pathogenic by our laboratory (e.g., p.Glu1104X and p.Ala1146fsX2). The variant was absent in 245922 control chromosomes. c.3276C>G has been reported in the literature in multiple individuals affected with Cystic Fibrosis (Sosnay_2013). These data indicate that the variant is very likely to be associated with disease. Two clinical diagnostic laboratories have submitted clinical-significance assessments for this variant to ClinVar after 2014 and both classified the variant as pathogenic. Based on the evidence outlined above, the variant was classified as pathogenic.

CFTR-France
Classification: Pathogenic for cystic fibrosis; CFTR-related disorders. Last evaluated: 2018-01-29. Review status: criteria provided, single submitter. Criteria: Claustres M et al. (Hum Mutat 2017). Collection method: curation. Allele origin: germline. Affected: yes. Not counted in ClinVar's aggregate classification.
Comment: the variant causes a phenotype but regarding our data, we can't formally attribute it to CF, CFTR-RD or both

Natera, Inc.
Classification: Pathogenic for CFTR-related disorders. Last evaluated: 2017-03-17. Review status: no assertion criteria provided. Collection method: clinical testing. Allele origin: germline. Not counted in ClinVar's aggregate classification.

Literature cited by the submitters: PubMed 23974870 (cited by 3 submitters); PubMed 28546993 (cited by Labcorp Genetics (formerly Invitae), Labcorp); PubMed 1695717 (cited by Labcorp Genetics (formerly Invitae), Labcorp); PubMed 7691345 (cited by Labcorp Genetics (formerly Invitae), Labcorp); PubMed 9725922 (cited by Labcorp Genetics (formerly Invitae), Labcorp); PubMed 16049310 (cited by Myriad Genetics, Inc.); PubMed 7541274 (cited by Women's Health and Genetics/Laboratory Corporation of America, LabCorp); PubMed 12865275 (cited by Women's Health and Genetics/Laboratory Corporation of America, LabCorp); PubMed 15371903 (cited by Women's Health and Genetics/Laboratory Corporation of America, LabCorp); PubMed 15371902 (cited by Women's Health and Genetics/Laboratory Corporation of America, LabCorp); PubMed 9917439 (cited by Women's Health and Genetics/Laboratory Corporation of America, LabCorp); PubMed 8707306 (cited by Women's Health and Genetics/Laboratory Corporation of America, LabCorp); PubMed 17525091 (cited by Women's Health and Genetics/Laboratory Corporation of America, LabCorp); PubMed 8698344 (cited by Women's Health and Genetics/Laboratory Corporation of America, LabCorp); PubMed 9272157 (cited by Women's Health and Genetics/Laboratory Corporation of America, LabCorp); PubMed 16837565 (cited by Women's Health and Genetics/Laboratory Corporation of America, LabCorp).